The following is an entry in ClinVar:

NM_000414.4(HSD17B4):c.1107T>C (p.Ser369=)

Gene: HSD17B4 (hydroxysteroid 17-beta dehydrogenase 4; plus strand). Cytogenetic location: 5q23.1.
Variant type: single nucleotide variant.
Coding change: c.1107T>C on transcript NM_000414.4 (MANE Select); coding-DNA position 1107, T replaced by C.
Protein change: p.Ser369=; no amino-acid change (serine 369 retained).
Molecular consequence: synonymous variant.
Genome position (GRCh38, 1-based): chr5:119,499,451, T>C. VCF-style: chr5-119499451-T-C. GRCh37 (hg19) VCF-style: chr5-118835146-T-C.
Other names: c.1182T>C, p.Ser394= (NM_001199291.3); c.1053T>C, p.Ser351= (NM_001199292.2); c.1035T>C, p.Ser345= (NM_001292027.2); c.687T>C, p.Ser229= (NM_001292028.2); c.1107T>C (NM_000414.3).
Identifiers: ClinVar variation 559069 (VCV000559069.14), dbSNP rs1485011447, ClinGen allele CA446219141.

ClinVar aggregate classification (germline): Likely benign. Review status: criteria provided, multiple submitters, no conflicts (2 of 4 stars). 3 submissions from 3 submitters: Likely benign (2). 1 of the submissions does not count toward it. Last evaluated 2025-08-18.

Conditions:
HSD17B4-related disorder. Also called: HSD17B4-related condition; HSD17B4-related disorders.
Bifunctional peroxisomal enzyme deficiency (DBIF). Also called: DBP DEFICIENCY; PBFE DEFICIENCY; D-bifunctional protein deficiency. Identifiers: Orphanet 300, MedGen C0342870, MONDO:0009855, OMIM 261515. Disease mechanism: loss of function.
Perrault syndrome. Also called: Gonadal dysgenesis with auditory dysfunction, autosomal recessive inheritance. Identifiers: Orphanet 2855, MedGen C0685838, MONDO:0017312.

Allele frequency attached by ClinVar (database versions not stated): gnomAD exomes below 0.00001; gnomAD 0.00001; TOPMed 0.00001.
gnomAD v4.1: 7 of 1,613,688 alleles (0.00043%); highest among the groups gnomAD compares: Admixed American, 0.0017%; no homozygotes.

Submissions (3):

PreventionGenetics, part of Exact Sciences
Classification: Likely benign for HSD17B4-related condition. Last evaluated: 2025-08-18. Review status: criteria provided, single submitter. Criteria: ACMG Guidelines, 2015. Collection method: clinical testing. Allele origin: germline.
Comment: This variant is classified as likely benign based on ACMG/AMP sequence variant interpretation guidelines (Richards et al. 2015 PMID: 25741868, with internal and published modifications).

Labcorp Genetics (formerly Invitae), Labcorp
Classification: Likely benign for Perrault syndrome; Bifunctional peroxisomal enzyme deficiency. Last evaluated: 2023-12-21. Review status: criteria provided, single submitter. Criteria: Invitae Variant Classification Sherloc (09022015). Collection method: clinical testing. Allele origin: germline.

Mayo Clinic Laboratories, Mayo Clinic
Classification: Likely benign. Last evaluated: 2017-04-24. Review status: no assertion criteria provided. Collection method: clinical testing. Allele origin: unknown. Not counted in ClinVar's aggregate classification.